The following is an entry in ClinVar:

NM_006277.3(ITSN2):c.4A>G (p.Met2Val)

Gene: ITSN2 (intersectin 2; minus strand). Cytogenetic location: 2p23.3.
Variant type: single nucleotide variant.
Coding change: c.4A>G on transcript NM_006277.3 (MANE Select); coding-DNA position 4, A replaced by G.
Protein change: p.Met2Val; replaces methionine 2 with valine.
Molecular consequence: missense variant. On other transcripts: 5 prime UTR variant (2).
Genome position (GRCh38, 1-based): chr2:24,328,079, T>C on the plus strand (A>G on the coding strand, the complement: ITSN2 is on the minus strand). VCF-style: chr2-24328079-T-C. GRCh37 (hg19) VCF-style: chr2-24550948-T-C.
Other names: c.-106A>G (NM_001348181.2, NM_001348184.2); c.4A>G, p.Met2Val (NM_001348182.2, NM_001348183.2, NM_001348185.2 and 3 more transcripts); short protein forms M2V.
Identifiers: ClinVar variation 1971182 (VCV001971182.6), dbSNP rs142953089, ClinGen allele CA1551900.

ClinVar aggregate classification (germline): Uncertain significance. Review status: criteria provided, multiple submitters, no conflicts (2 of 4 stars). 2 submissions from 2 submitters: Uncertain significance (2). Last evaluated 2022-08-28.

Allele frequency attached by ClinVar (database versions not stated): ExAC 0.00002; gnomAD 0.00003; gnomAD exomes 0.00004; TOPMed 0.00005; ESP Exome Variant Server 0.00023.
gnomAD v4.1: 61 of 1,613,630 alleles (0.0038%); highest among the groups gnomAD compares: Non-Finnish European, 0.005%; no homozygotes.

Submissions (2):

Labcorp Genetics (formerly Invitae), Labcorp
Classification: Uncertain significance. Last evaluated: 2022-08-28. Review status: criteria provided, single submitter. Criteria: Invitae Variant Classification Sherloc (09022015). Collection method: clinical testing. Allele origin: germline.
Comment: This sequence change replaces methionine, which is neutral and non-polar, with valine, which is neutral and non-polar, at codon 2 of the ITSN2 protein (p.Met2Val). In summary, the available evidence is currently insufficient to determine the role of this variant in disease. Therefore, it has been classified as a Variant of Uncertain Significance. Algorithms developed to predict the effect of missense changes on protein structure and function (SIFT, PolyPhen-2, Align-GVGD) all suggest that this variant is likely to be tolerated. This variant has not been reported in the literature in individuals affected with ITSN2-related conditions. This variant is present in population databases (rs142953089, gnomAD 0.002%).

Ambry Genetics
Classification: Uncertain significance. Last evaluated: 2021-10-29. Review status: criteria provided, single submitter. Criteria: Ambry Variant Classification Scheme 2023. Collection method: clinical testing. Allele origin: germline.